The following is an entry in ClinVar:

ClinVar aggregate classification (germline): Likely benign (0 of 4 stars; one submission).

Conditions:
ITSN1-related disorder. Also called: ITSN1-related condition.

Allele frequency attached by ClinVar (database versions not stated): gnomAD exomes 0.00005; ExAC 0.00022; 1000 Genomes Project 0.00080; gnomAD 0.00084; ESP Exome Variant Server 0.00085; TOPMed 0.00101; 1000 Genomes Project 30x 0.00109.
gnomAD v4.1: 204 of 1,614,094 alleles (0.013%); highest among the groups gnomAD compares: African/African-American, 0.25%; 1 homozygote.

Submission:

PreventionGenetics, part of Exact Sciences
Classification: Likely benign for ITSN1-related condition. Last evaluated: 2019-11-12. Review status: no assertion criteria provided. Collection method: clinical testing. Allele origin: germline.
Comment: This variant is classified as likely benign based on ACMG/AMP sequence variant interpretation guidelines (Richards et al. 2015 PMID: 25741868, with internal and published modifications).

NM_003024.3(ITSN1):c.4314C>A (p.Ala1438=)

Gene: ITSN1 (intersectin 1; plus strand). Cytogenetic location: 21q22.11.
Variant type: single nucleotide variant.
Coding change: c.4314C>A on transcript NM_003024.3 (MANE Select); coding-DNA position 4314, C replaced by A.
Protein change: p.Ala1438=; no amino-acid change (alanine 1438 retained).
Molecular consequence: synonymous variant.
Genome position (GRCh38, 1-based): chr21:33,875,494, C>A. VCF-style: chr21-33875494-C-A. GRCh37 (hg19) VCF-style: chr21-35247798-C-A.
Other names: c.4299C>A, p.Ala1433= (NM_001331010.2).
Identifiers: ClinVar variation 3045875 (VCV003045875.2), dbSNP rs141391512, ClinGen allele CA10012391.
Genomic context (GRCh38, chr21:33,875,494, plus strand): 5'-CCAGGTGAACGAAGGGGTGCGGGAGAAGGAGAACTCTGACCGGCTGGAGTGGATCCAGGC[C>A]CACGTGCAGTGTGAAGGCCTGTCTGAGGTAGCCAACCTTGGGGCTGGGCCCTGGTCTCCC-3'
Protein context (NP_003015.2, residues 1428-1448): ENSDRLEWIQ[Ala1438=]HVQCEGLSEQ